The following is an entry in ClinVar:

ClinVar aggregate classification (germline): Likely pathogenic. Review status: criteria provided, single submitter (1 of 4 stars). 2 submissions from 2 submitters: Likely pathogenic (1). 1 of the submissions does not count toward it. Last evaluated 2025-02-20.

Conditions:
X-linked Alport syndrome (ATS1). Also called: NEPHROPATHY AND DEAFNESS, X-LINKED; COL4A5-Related Nephropathy. Identifiers: Orphanet 63, Orphanet 88917, MedGen C4746986, MONDO:0010520, OMIM 301050.

Submissions (2):

3billion
Classification: Likely pathogenic for X-linked Alport syndrome. Last evaluated: 2025-02-20. Review status: criteria provided, single submitter. Criteria: ACMG Guidelines, 2015. Collection method: clinical testing. Allele origin: germline. Affected: yes.
Comment: The variant is not observed in the gnomAD v4.1.0 dataset. Predicted Consequence/Location: The variant is located in a mutational hot spot and/or well-established functional domain in which established pathogenic variants have been reported. In silico tool predictions suggest damaging effect of the variant on gene or gene product [REVEL: 0.99 (>=0.6, sensitivity 0.68 and specificity 0.92); 3Cnet: 0.98 (>=0.6, sensitivity 0.72 and precision 0.9)]. The same nucleotide change resulting in the same amino acid change has been previously reported to be associated with COL4A5-related disorder (ClinVar ID: VCV000599058). Different missense changes at the same codon (p.Gly213Arg, p.Gly213Glu) have been reported as pathogenic/likely pathogenic with strong evidence (ClinVar ID: VCV001066320, VCV002138685 /PMID: 16941480, 36938085 /3billion dataset). Therefore, this variant is classified as Likely pathogenic according to the recommendation of ACMG/AMP guideline.

Bioscientia Institut fuer Medizinische Diagnostik GmbH, Sonic Healthcare
Classification: Likely pathogenic for X-linked Alport syndrome. Last evaluated: 2017-12-20. Review status: no assertion criteria provided. Collection method: clinical testing. Allele origin: germline. Affected: yes. Not counted in ClinVar's aggregate classification.

Literature cited by the submitters: PubMed 16941480 (cited by 3billion).

NM_033380.3(COL4A5):c.638G>T (p.Gly213Val)

Gene: COL4A5 (collagen type IV alpha 5 chain; plus strand). Cytogenetic location: Xq22.3.
Variant type: single nucleotide variant.
Coding change: c.638G>T on transcript NM_033380.3 (MANE Select); coding-DNA position 638, G replaced by T.
Protein change: p.Gly213Val; replaces glycine 213 with valine.
Molecular consequence: missense variant.
Genome position (GRCh38, 1-based): chrX:108,577,980, G>T. VCF-style: chrX-108577980-G-T. GRCh37 (hg19) VCF-style: chrX-107821210-G-T.
Other names: c.638G>T, p.Gly213Val (NM_000495.5); short protein forms G213V.
Identifiers: ClinVar variation 599058 (VCV000599058.3), dbSNP rs104886066, ClinGen allele CA413923235.
Genomic context (GRCh38, chrX:108,577,980, plus strand): 5'-ATTTTATTTTCTCTTTTGTCTTCTCTTCTTAGGGCCCTCCTGGTCCACCAGGACTTCCAG[G>T]ACCTAAGGTAATTTTCTTTTTCTTTATATCTTTTATTTGGTGTGGATTCCTTTTCTTACT-3'
Protein context (NP_203699.1, residues 203-223): MGPPGPPGLP[Gly213Val]PKGNMGLNFQ